The following is an entry in ClinVar:

ClinVar aggregate classification (germline): Uncertain significance (1 of 4 stars; one submission).

Allele frequency attached by ClinVar (database versions not stated): gnomAD exomes below 0.00001.
gnomAD v4.1: 3 of 1,608,534 alleles (0.00019%); highest among the groups gnomAD compares: Non-Finnish European, 0.00025%; no homozygotes.

Submission:

CeGaT Center for Human Genetics Tuebingen
Classification: Uncertain significance. Last evaluated: 2022-07-01. Review status: criteria provided, single submitter. Criteria: CeGaT Center For Human Genetics Tuebingen Variant Classification Criteria Version 2. Collection method: clinical testing. Allele origin: germline. Affected: yes. Observed: 1 variant allele.
Comment: PRR12: PM2

NM_020719.3(PRR12):c.5989G>A (p.Glu1997Lys)

Gene: PRR12 (proline rich 12; plus strand). Cytogenetic location: 19q13.33.
Variant type: single nucleotide variant.
Coding change: c.5989G>A on transcript NM_020719.3 (MANE Select); coding-DNA position 5989, G replaced by A.
Protein change: p.Glu1997Lys; replaces glutamic acid 1997 with lysine.
Molecular consequence: missense variant.
Genome position (GRCh38, 1-based): chr19:49,625,485, G>A. VCF-style: chr19-49625485-G-A. GRCh37 (hg19) VCF-style: chr19-50128742-G-A.
Other names: short protein forms E1997K.
Identifiers: ClinVar variation 2650274 (VCV002650274.24), dbSNP rs1200733737, ClinGen allele CA406843113.